The following is an entry in ClinVar:

ClinVar aggregate classification (germline): Uncertain significance. Review status: criteria provided, multiple submitters, no conflicts (2 of 4 stars). 2 submissions from 2 submitters: Uncertain significance (2). Last evaluated 2024-12-30.

Conditions:
T-B+ severe combined immunodeficiency due to JAK3 deficiency. Also called: SCID, autosomal recessive, T-negative/B-positive type; SCID, T CELL-NEGATIVE, B CELL-POSITIVE, NK CELL-NEGATIVE. Identifiers: Orphanet 35078, MedGen C1833275, MONDO:0010938, OMIM 600802.

Allele frequency attached by ClinVar (database versions not stated): gnomAD 0.00001 and 0.00002; ExAC 0.00002; gnomAD exomes 0.00002 and 0.00004; TOPMed 0.00002; ESP Exome Variant Server 0.00008; 1000 Genomes Project 0.00020; 1000 Genomes Project 30x 0.00031.
gnomAD v4.1: 57 of 1,614,116 alleles (0.0035%); highest among the groups gnomAD compares: Middle Eastern, 0.033%; no homozygotes.

Submissions (2):

Labcorp Genetics (formerly Invitae), Labcorp
Classification: Uncertain significance for T-B+ severe combined immunodeficiency due to JAK3 deficiency. Last evaluated: 2024-12-30. Review status: criteria provided, single submitter. Criteria: Invitae Variant Classification Sherloc (09022015). Collection method: clinical testing. Allele origin: germline.
Comment: This sequence change replaces histidine, which is basic and polar, with arginine, which is basic and polar, at codon 529 of the JAK3 protein (p.His529Arg). This variant is present in population databases (rs142805245, gnomAD 0.009%). This variant has not been reported in the literature in individuals affected with JAK3-related conditions. ClinVar contains an entry for this variant (Variation ID: 848740). Invitae Evidence Modeling of protein sequence and biophysical properties (such as structural, functional, and spatial information, amino acid conservation, physicochemical variation, residue mobility, and thermodynamic stability) indicates that this missense variant is not expected to disrupt JAK3 protein function with a negative predictive value of 95%. In summary, the available evidence is currently insufficient to determine the role of this variant in disease. Therefore, it has been classified as a Variant of Uncertain Significance.

Illumina Laboratory Services, Illumina
Classification: Uncertain significance for T-B+ severe combined immunodeficiency due to JAK3 deficiency. Last evaluated: 2018-01-12. Review status: criteria provided, single submitter. Criteria: ICSL Variant Classification Criteria 13 December 2019. Collection method: clinical testing. Allele origin: germline.

NM_000215.4(JAK3):c.1586A>G (p.His529Arg)

Gene: JAK3 (Janus kinase 3; minus strand). Cytogenetic location: 19p13.11.
Variant type: single nucleotide variant.
Coding change: c.1586A>G on transcript NM_000215.4 (MANE Select); coding-DNA position 1586, A replaced by G.
Protein change: p.His529Arg; replaces histidine 529 with arginine.
Molecular consequence: missense variant.
Genome position (GRCh38, 1-based): chr19:17,838,047, T>C on the plus strand (A>G on the coding strand, the complement: JAK3 is on the minus strand). VCF-style: chr19-17838047-T-C. GRCh37 (hg19) VCF-style: chr19-17948856-T-C.
Other names: short protein forms H529R.
Identifiers: ClinVar variation 848740 (VCV000848740.9), dbSNP rs142805245, ClinGen allele CA9301840.